The following is an entry in ClinVar:

ClinVar aggregate classification (germline): Uncertain significance (1 of 4 stars; one submission).

Submission:

Labcorp Genetics (formerly Invitae), Labcorp
Classification: Uncertain significance. Last evaluated: 2021-10-04. Review status: criteria provided, single submitter. Criteria: Invitae Variant Classification Sherloc (09022015). Collection method: clinical testing. Allele origin: germline.
Comment: This variant is a gross deletion of the genomic region encompassing exon(s) 37-44 of the RNF213 gene. This variant would be expected to be in-frame, preserving the integrity of the reading frame. In summary, the available evidence is currently insufficient to determine the role of this variant in disease. Therefore, it has been classified as a Variant of Uncertain Significance. Experimental studies and prediction algorithms are not available or were not evaluated, and the functional significance of this variant is currently unknown. This variant has not been reported in the literature in individuals affected with RNF213-related conditions.

NC_000017.10:g.(?_78332068)_(78341963_?)del

Gene: RNF213 (ring finger protein 213; plus strand). Cytogenetic location: 17q25.3.
Variant type: Deletion.
Identifiers: ClinVar variation 1387189 (VCV001387189.4).